The following is an entry in ClinVar:

NM_000535.7(PMS2):c.2555A>C (p.His852Pro)

Gene: PMS2 (PMS1 homolog 2, mismatch repair system component; minus strand). Cytogenetic location: 7p22.1.
Variant type: single nucleotide variant.
Coding change: c.2555A>C on transcript NM_000535.7 (MANE Select); coding-DNA position 2555, A replaced by C.
Protein change: p.His852Pro; replaces histidine 852 with proline.
Molecular consequence: missense variant. On other transcripts: non-coding transcript variant (1).
Genome position (GRCh38, 1-based): chr7:5,973,433, T>G on the plus strand (A>C on the coding strand, the complement: PMS2 is on the minus strand). VCF-style: chr7-5973433-T-G. GRCh37 (hg19) VCF-style: chr7-6013064-T-G.
Other names: c.2150A>C, p.His717Pro (NM_001322003.2, NM_001322004.2, NM_001322005.2 and 11 more transcripts); c.2399A>C, p.His800Pro (NM_001322006.2); c.2237A>C, p.His746Pro (NM_001322007.2, NM_001322008.2, NM_001406883.1); c.2183A>C, p.His728Pro (NM_001322009.2, NM_001406887.1, NM_001406888.1); c.1994A>C, p.His665Pro (NM_001322010.2, NM_001406906.1, NM_001406907.1); c.1622A>C, p.His541Pro (NM_001322011.2, NM_001322012.2); c.1982A>C, p.His661Pro (NM_001322013.2, NM_001406908.1, NM_001406909.1); c.2588A>C, p.His863Pro (NM_001322014.2); and 20 more; short protein forms H665P, H740P, H786P, H796P, H811P, H852P, H541P, H595P.
Identifiers: ClinVar variation 3890945 (VCV003890945.2).

ClinVar aggregate classification (germline): Uncertain significance. Review status: criteria provided, multiple submitters, no conflicts (2 of 4 stars). 2 submissions from 2 submitters: Uncertain significance (2). Last evaluated 2024-12-14.

Conditions:
Hereditary cancer-predisposing syndrome. Also called: Tumor predisposition; Neoplastic Syndromes, Hereditary; Hereditary Cancer Syndrome; Hereditary neoplastic syndrome. Identifiers: Orphanet 140162, MedGen C0027672, MeSH D009386, MONDO:0015356.

Submissions (2):

Ambry Genetics
Classification: Uncertain significance for Hereditary cancer-predisposing syndrome. Last evaluated: 2024-12-14. Review status: criteria provided, single submitter. Criteria: Ambry Variant Classification Scheme 2023. Collection method: clinical testing. Allele origin: germline.
Comment: The p.H852P variant (also known as c.2555A>C), located in coding exon 15 of the PMS2 gene, results from an A to C substitution at nucleotide position 2555. The histidine at codon 852 is replaced by proline, an amino acid with similar properties. This amino acid position is conserved. In addition, this alteration is predicted to be deleterious by in silico analysis. Based on the available evidence, the clinical significance of this variant remains unclear.

Color Diagnostics, LLC DBA Color Health
Classification: Uncertain significance for Hereditary cancer-predisposing syndrome. Last evaluated: 2024-03-31. Review status: criteria provided, single submitter. Criteria: ACMG Guidelines, 2015. Collection method: clinical testing. Allele origin: germline.
Comment: This missense variant replaces histidine with proline at codon 852 of the PMS2 protein. Computational prediction suggests that this variant may have deleterious impact on protein structure and function (internally defined REVEL score threshold >= 0.7, PMID: 27666373). To our knowledge, functional studies have not been reported for this variant. This variant has not been reported in individuals affected with PMS2-related disorders in the literature. This variant has not been identified in the general population by the Genome Aggregation Database (gnomAD). The available evidence is insufficient to determine the role of this variant in disease conclusively. Therefore, this variant is classified as a Variant of Uncertain Significance.